The following is an entry in ClinVar:

NM_005428.4(VAV1):c.885C>G (p.Asp295Glu)

Gene: VAV1 (vav guanine nucleotide exchange factor 1; plus strand). Cytogenetic location: 19p13.3.
Variant type: single nucleotide variant.
Coding change: c.885C>G on transcript NM_005428.4 (MANE Select); coding-DNA position 885, C replaced by G.
Protein change: p.Asp295Glu; replaces aspartic acid 295 with glutamic acid.
Molecular consequence: missense variant.
Genome position (GRCh38, 1-based): chr19:6,826,669, C>G. VCF-style: chr19-6826669-C-G. GRCh37 (hg19) VCF-style: chr19-6826680-C-G.
Other names: c.885C>G, p.Asp295Glu (NM_001258206.2); c.789C>G, p.Asp263Glu (NM_001258207.2); short protein forms D295E, D263E.
Identifiers: ClinVar variation 4776090 (VCV004776090.1).
Genomic context (GRCh38, chr19:6,826,669, plus strand): 5'-TAGGTTCCTCGTCTATGGCCGCTACTGCAGCCAGGTGGAGTCAGCCAGCAAACACCTGGA[C>G]CGTGTGGCCGCAGCCCGGGAGGACGTGCAGATGAAGCTGGAGGTGGGCGCCGGGCCACTT-3'
Protein context (NP_005419.2, residues 285-305): SQVESASKHL[Asp295Glu]RVAAAREDVQ

ClinVar aggregate classification (germline): Uncertain significance (1 of 4 stars; one submission).

Submission:

Labcorp Genetics (formerly Invitae), Labcorp
Classification: Uncertain significance. Last evaluated: 2025-08-18. Review status: criteria provided, single submitter. Criteria: Invitae Variant Classification Sherloc (09022015). Collection method: clinical testing. Allele origin: germline.
Comment: This sequence change replaces aspartic acid, which is acidic and polar, with glutamic acid, which is acidic and polar, at codon 295 of the VAV1 protein (p.Asp295Glu). This variant is not present in population databases (gnomAD no frequency). This variant has not been reported in the literature in individuals affected with VAV1-related conditions. An algorithm developed to predict the effect of missense changes on protein structure and function (PolyPhen-2) suggests that this variant is likely to be tolerated. In summary, the available evidence is currently insufficient to determine the role of this variant in disease. Therefore, it has been classified as a Variant of Uncertain Significance.